The following is an entry in ClinVar:

NM_000256.3(MYBPC3):c.1991G>A (p.Gly664Glu)

Gene: MYBPC3 (myosin binding protein C3; minus strand). Cytogenetic location: 11p11.2.
Variant type: single nucleotide variant.
Coding change: c.1991G>A on transcript NM_000256.3 (MANE Select); coding-DNA position 1991, G replaced by A.
Protein change: p.Gly664Glu; replaces glycine 664 with glutamic acid.
Molecular consequence: missense variant.
Genome position (GRCh38, 1-based): chr11:47,339,727, C>T on the plus strand (G>A on the coding strand, the complement: MYBPC3 is on the minus strand). VCF-style: chr11-47339727-C-T. GRCh37 (hg19) VCF-style: chr11-47361278-C-T.
Other names: short protein forms G664E.
Identifiers: ClinVar variation 2696752 (VCV002696752.3), dbSNP rs2095886397, ClinGen allele CA380321724.

ClinVar aggregate classification (germline): Uncertain significance (1 of 4 stars; one submission).

Conditions:
Hypertrophic cardiomyopathy. Also called: HYPERTROPHIC MYOCARDIOPATHY. Identifiers: Orphanet 217569, MedGen C0007194, MeSH D002312, MONDO:0005045, HP:0001639.

Submission:

Labcorp Genetics (formerly Invitae), Labcorp
Classification: Uncertain significance for Hypertrophic cardiomyopathy. Last evaluated: 2023-11-17. Review status: criteria provided, single submitter. Criteria: Invitae Variant Classification Sherloc (09022015). Collection method: clinical testing. Allele origin: germline.
Comment: This sequence change replaces glycine, which is neutral and non-polar, with glutamic acid, which is acidic and polar, at codon 664 of the MYBPC3 protein (p.Gly664Glu). This variant is not present in population databases (gnomAD no frequency). This variant has not been reported in the literature in individuals affected with MYBPC3-related conditions. An algorithm developed to predict the effect of missense changes on protein structure and function (PolyPhen-2) suggests that this variant is likely to be disruptive. In summary, the available evidence is currently insufficient to determine the role of this variant in disease. Therefore, it has been classified as a Variant of Uncertain Significance.